The following is an entry in ClinVar:

NC_000019.9:g.(?_1206903)_(1207212_?)dup

Gene: STK11 (serine/threonine kinase 11; plus strand). Cytogenetic location: 19p13.3.
Variant type: Duplication.
Identifiers: ClinVar variation 583838 (VCV000583838.3).

ClinVar aggregate classification (germline): Uncertain significance (1 of 4 stars; one submission).

Conditions:
Peutz-Jeghers syndrome (PJS). Also called: POLYPOSIS, HAMARTOMATOUS INTESTINAL; POLYPS-AND-SPOTS SYNDROME; Peutz-Jeghers polyposis; Periorificial lentiginosis syndrome. Identifiers: Orphanet 2869, MedGen C0031269, MeSH D010580, MONDO:0008280, OMIM 175200.

Submission:

Labcorp Genetics (formerly Invitae), Labcorp
Classification: Uncertain significance for Peutz-Jeghers syndrome. Last evaluated: 2019-05-07. Review status: criteria provided, single submitter. Criteria: Invitae Variant Classification Sherloc (09022015). Collection method: clinical testing. Allele origin: germline.
Comment: This variant results in a copy number gain of the genomic region encompassing exon 1 of the STK11 gene. The 5' end of this event is unknown as it extends beyond the assayed region for this gene and therefore may encompass additional genes. The 3' boundary is likely confined to intron 1 of the STK11 gene. As the precise location of this event is unknown, it may be in tandem or it may be located elsewhere in the genome. This variant has not been reported in the literature in individuals with STK11-related disease. In summary, the available evidence is currently insufficient to determine the role of this variant in disease. Therefore, it has been classified as a Variant of Uncertain Significance.